The following is an entry in ClinVar:

NM_000088.4(COL1A1):c.642+3A>C

Gene: COL1A1 (collagen type I alpha 1 chain; minus strand). Cytogenetic location: 17q21.33.
Variant type: single nucleotide variant.
Coding change: c.642+3A>C on transcript NM_000088.4 (MANE Select); 3 bases into the intron after coding-DNA position 642, A replaced by C.
Molecular consequence: intron variant.
Genome position (GRCh38, 1-based): chr17:50,197,946, T>G on the plus strand (A>C on the coding strand, the complement: COL1A1 is on the minus strand). VCF-style: chr17-50197946-T-G. GRCh37 (hg19) VCF-style: chr17-48275307-T-G.
Identifiers: ClinVar variation 4280717 (VCV004280717.1).
Genomic context (GRCh38, chr17:50,197,946, plus strand): 5'-TTCTTCTATAGGAGAGTCTGTGTGTTTGTAGAAGGAGTATGAATCTGTATAGAGAGTGCT[T>G]ACTGAAGCTCCAGGCTCGCCAGGCTCACCAGGGGGACCTTGGAAGCCTTGGGGACCCTTG-3'

ClinVar aggregate classification (germline): Uncertain significance (1 of 4 stars; one submission).

Conditions:
Osteogenesis imperfecta type I (OI1). Also called: OI, TYPE I; OSTEOGENESIS IMPERFECTA TARDA; OSTEOGENESIS IMPERFECTA WITH BLUE SCLERAE; Osteogenesis imperfecta type 1; Lobstein's Disease; Lobstein disease. Identifiers: Orphanet 216796, Orphanet 666, MedGen C0023931, MONDO:0008146, OMIM 166200. Disease mechanism: loss of function.

Submission:

Laboratory of Genetic Skeletal Anomaly, Seoul National University Children's Hospital
Classification: Uncertain significance for Osteogenesis imperfecta type I. Last evaluated: 2025-03-01. Review status: criteria provided, single submitter. Criteria: ACMG Guidelines, 2015. Collection method: research. Allele origin: germline. Affected: yes.
Comment: This variant is a novel variant not previously reported in the literature or population databases. It was classified based on available in silico predictions and absence from gnomAD.